The following is an entry in ClinVar:

NM_000179.3(MSH6):c.2006T>C (p.Ile669Thr)

Gene: MSH6 (mutS homolog 6; plus strand). Cytogenetic location: 2p16.3.
Variant type: single nucleotide variant.
Coding change: c.2006T>C on transcript NM_000179.3 (MANE Select); coding-DNA position 2006, T replaced by C.
Protein change: p.Ile669Thr; replaces isoleucine 669 with threonine.
Molecular consequence: missense variant.
Genome position (GRCh38, 1-based): chr2:47,799,989, T>C. VCF-style: chr2-47799989-T-C. GRCh37 (hg19) VCF-style: chr2-48027128-T-C.
Other names: c.1616T>C, p.Ile539Thr (NM_001281492.2); c.1100T>C, p.Ile367Thr (NM_001281493.2, NM_001281494.2); short protein forms I669T, I367T, I539T.
Identifiers: ClinVar variation 89237 (VCV000089237.42), dbSNP rs555209664, ClinGen allele CA009545.

ClinVar aggregate classification (germline): Conflicting classifications of pathogenicity. Review status: criteria provided, conflicting classifications (1 of 4 stars). 14 submissions from 14 submitters: Uncertain significance (12); Likely benign (2). Last evaluated 2026-01-26.

Conditions:
Endometrial carcinoma. Also called: Endometrial carcinoma, somatic. Identifiers: MedGen C0476089, MONDO:0002447, OMIM 608089, HP:0012114.
Lynch syndrome 5 (LYNCH5). Also called: Hereditary non-polyposis colorectal cancer, type 5; Colorectal cancer, hereditary nonpolyposis, type 5. Identifiers: Orphanet 144, MedGen C1833477, MONDO:0013710, OMIM 614350. Disease mechanism: loss of function.
Mismatch repair cancer syndrome 3. Identifiers: MedGen C5436807, MONDO:0030841, OMIM 619097.
Hereditary nonpolyposis colorectal neoplasms. Identifiers: MedGen C0009405, MeSH D003123.
Hereditary cancer-predisposing syndrome. Also called: Neoplastic Syndromes, Hereditary; Tumor predisposition; Hereditary Cancer Syndrome; Hereditary neoplastic syndrome. Identifiers: Orphanet 140162, MedGen C0027672, MeSH D009386, MONDO:0015356.
Lynch syndrome. Identifiers: Orphanet 144, MedGen C4552100, MONDO:0005835. Disease mechanism: loss of function.

Allele frequency attached by ClinVar (database versions not stated): gnomAD 0.00001 and 0.00002; gnomAD exomes 0.00001 and 0.00004; TOPMed 0.00002; ExAC 0.00003; 1000 Genomes Project 30x 0.00016; 1000 Genomes Project 0.00020.

Submissions (14):

Labcorp Genetics (formerly Invitae), Labcorp
Classification: Likely benign for Hereditary nonpolyposis colorectal neoplasms. Last evaluated: 2026-01-26. Review status: criteria provided, single submitter. Criteria: Invitae Variant Classification Sherloc (09022015). Collection method: clinical testing. Allele origin: germline.

Women's Health and Genetics/Laboratory Corporation of America, LabCorp
Classification: Uncertain significance. Last evaluated: 2025-10-24. Review status: criteria provided, single submitter. Criteria: LabCorp Variant Classification Summary - May 2015. Collection method: clinical testing. Allele origin: germline.
Comment: Variant summary: MSH6 c.2006T>C (p.Ile669Thr) results in a non-conservative amino acid change located in the connector domain (IPR007860) of the encoded protein sequence. Algorithms developed to predict the effect of missense changes on protein structure and function are either unavailable or do not agree on the potential impact of this missense change. The variant allele was found at a frequency of 4e-05 in 251038 control chromosomes. This frequency is not significantly higher than estimated for disease-causing variants in MSH6, allowing no conclusion about variant significance. c.2006T>C has been observed in individual(s) affected with Hereditary Nonpolyposis Colorectal Cancer (e.g. Soares_2017, Schneider_2018, Li_2020, Greenber_2020). These report(s) do not provide unequivocal conclusions about association of the variant with Hereditary Nonpolyposis Colorectal Cancer. To our knowledge, no experimental evidence demonstrating an impact on protein function has been reported. The following publications have been ascertained in the context of this evaluation (PMID: 23621914, 29575718, 28932927, 31391288, 31927803). ClinVar contains an entry for this variant (Variation ID: 89237). Based on the evidence outlined above, the variant was classified as uncertain significance.

Quest Diagnostics Nichols Institute San Juan Capistrano
Classification: Uncertain significance. Last evaluated: 2025-09-18. Review status: criteria provided, single submitter. Criteria: Quest Diagnostics criteria. Collection method: clinical testing. Allele origin: unknown.
Comment: The MSH6 c.2006T>C (p.Ile669Thr) variant has been reported in the published literature in individuals affected with colorectal cancer (PMID: 31927803 (2020), 29575718 (2018)), Lynch syndrome (PMID: 28932927 (2018)), breast cancer (PMID: 35534704 (2022)), and other unspecified cancers (PMID: 31391288 (2020)), as well as in reportedly unaffected individuals (PMID: 39004446 (2024)). In a large-scale breast cancer association study, this variant has been observed in 1 breast cancer case and 1 reportedly unaffected individual (PMID: 33471991 (2021), see also LOVD). The frequency of this variant in the general population (Genome Aggregation Database) is uninformative in the assessment of its pathogenicity. Analysis of this variant using bioinformatics tools for the prediction of the effect of amino acid changes on protein structure and function yielded conflicting predictions that this variant is deleterious or benign. Based on the available information, we are unable to determine the clinical significance of this variant.

Ambry Genetics
Classification: Uncertain significance for Hereditary cancer-predisposing syndrome. Last evaluated: 2025-08-19. Review status: criteria provided, single submitter. Criteria: Ambry Variant Classification Scheme 2023. Collection method: clinical testing. Allele origin: germline.

Molecular Pathology, Peter Maccallum Cancer Centre
Classification: Uncertain significance for Lynch syndrome 5. Last evaluated: 2025-05-06. Review status: criteria provided, single submitter. Criteria: ACMG Guidelines, 2015. Collection method: clinical testing. Allele origin: germline. Inheritance: Autosomal dominant inheritance.

Myriad Genetics, Inc.
Classification: Likely benign for Lynch syndrome 5. Last evaluated: 2024-12-30. Review status: criteria provided, single submitter. Criteria: Myriad Autosomal Dominant, Autosomal Recessive and X-Linked Classification Criteria (2023). Collection method: clinical testing. Allele origin: unknown.
Comment: This variant is considered likely benign. Homozygosity for this variant has been confirmed in one or more individuals lacking clinical features consistent with gene-specific recessive disease, indicating that this variant is unlikely to be pathogenic.

Color Diagnostics, LLC DBA Color Health
Classification: Uncertain significance for Hereditary cancer-predisposing syndrome. Last evaluated: 2024-12-23. Review status: criteria provided, single submitter. Criteria: ACMG Guidelines, 2015. Collection method: clinical testing. Allele origin: germline.
Comment: This missense variant replaces isoleucine with threonine at codon 669 of the MSH6 protein. Computational prediction suggests that this variant may not impact protein structure and function (internally defined REVEL score threshold <= 0.5, PMID: 27666373). To our knowledge, functional studies have not been reported for this variant. This variant has been reported in an individuals affected with or suspected of having Lynch syndrome (PMID: 28932927, 29575718, 31391288, 31927803). This variant has also been identified in 10/251038 chromosomes in the general population by the Genome Aggregation Database (gnomAD). The available evidence is insufficient to determine the role of this variant in disease conclusively. Therefore, this variant is classified as a Variant of Uncertain Significance.

All of Us Research Program, National Institutes of Health
Classification: Uncertain significance for Lynch syndrome. Last evaluated: 2024-03-05. Review status: criteria provided, single submitter. Criteria: ACMG Guidelines, 2015. Collection method: clinical testing. Allele origin: germline. Inheritance: Autosomal dominant inheritance. Observed: 8 variant alleles, 8 heterozygotes.
Comment: This missense variant replaces isoleucine with threonine at codon 669 of the MSH6 protein. Computational prediction suggests that this variant may not impact protein structure and function (internally defined REVEL score threshold <= 0.5, PMID: 27666373). To our knowledge, functional studies have not been reported for this variant. This variant has been reported in an individuals affected with or suspected of having Lynch syndrome (PMID: 28932927, 29575718, 31391288, 31927803), or breast cancer (DOI: 10.1101/2021.04.15.21255554). This variant has also been identified in 10/251038 chromosomes in the general population by the Genome Aggregation Database (gnomAD). The available evidence is insufficient to determine the role of this variant in disease conclusively. Therefore, this variant is classified as a Variant of Uncertain Significance.

This study involves interpretation of variants in research participants for the purpose of population health screening. Participant phenotype was not available at the time of variant classification. Additional details can be found in publication PMID: 35346344, PMCID: PMC8962531

Baylor Genetics
Classification: Uncertain significance for Endometrial carcinoma. Last evaluated: 2024-02-28. Review status: criteria provided, single submitter. Criteria: ACMG Guidelines, 2015. Collection method: clinical testing. Allele origin: unknown.

Blueprint Genetics
Classification: Uncertain significance. Last evaluated: 2023-05-19. Review status: criteria provided, single submitter. Criteria: ACMG Guidelines, 2015. Collection method: clinical testing. Allele origin: germline.

GeneDx
Classification: Uncertain significance. Last evaluated: 2023-05-17. Review status: criteria provided, single submitter. Criteria: GeneDx Variant Classification Process June 2021. Collection method: clinical testing. Allele origin: germline. Affected: yes.
Comment: In silico analysis supports that this missense variant does not alter protein structure/function; Observed in individuals with colorectal or other cancers (Soares et al., 2017; Schneider et al., 2018; Greenberg et al., 2020; Li et al., 2020); This variant is associated with the following publications: (PMID: 23621914, 28932927, 26333163, 29575718, 31927803, 17531815, 21120944, 22290698, 31391288)

Department of Pathology and Laboratory Medicine, Sinai Health System
Classification: Uncertain significance for Endometrial carcinoma; Lynch syndrome 5; Mismatch repair cancer syndrome 3. Last evaluated: 2022-05-02. Review status: criteria provided, single submitter. Criteria: ACMG Guidelines, 2015. Collection method: clinical testing. Allele origin: germline. Affected: yes.

Sema4
Classification: Uncertain significance for Hereditary cancer-predisposing syndrome. Last evaluated: 2021-11-25. Review status: criteria provided, single submitter. Criteria: Sema4 Curation Guidelines. Collection method: curation. Allele origin: germline.
Comment: The MSH6 c.2006T>C (p.I669T) variant has been reported in heterozygosity in at least four individuals with colorectal cancer and/or other cancers (PMID: 29575718, 28932927, 31391288). This variant was observed in 6/34582 chromosomes in the Latino/Admixed American population according to the Genome Aggregation Database (PMID: 32461654). This variant has been reported in ClinVar (Variation ID: 89237). Functional studies have not been performed, and in silico predictions of the variant's effect on protein function are inconclusive. The evidence is insufficient to meet ACMG/AMP criteria for classifying the variant as benign or pathogenic. Thus, the clinical significance of this variant is currently uncertain.

PreventionGenetics, part of Exact Sciences
Classification: Uncertain significance. Last evaluated: 2017-03-31. Review status: criteria provided, single submitter. Criteria: ACMG Guidelines, 2015. Collection method: clinical testing. Allele origin: germline.

Literature cited by the submitters: PubMed 23621914 (cited by Women's Health and Genetics/Laboratory Corporation of America, LabCorp and Quest Diagnostics Nichols Institute San Juan Capistrano); PubMed 29575718 (cited by 6 submitters); PubMed 28932927 (cited by 5 submitters); PubMed 31391288 (cited by 5 submitters); PubMed 31927803 (cited by 4 submitters); PubMed 33471991 (cited by Quest Diagnostics Nichols Institute San Juan Capistrano); PubMed 22290698 (cited by Quest Diagnostics Nichols Institute San Juan Capistrano); PubMed 35534704 (cited by Quest Diagnostics Nichols Institute San Juan Capistrano); PubMed 36845387 (cited by Quest Diagnostics Nichols Institute San Juan Capistrano); PubMed 39004446 (cited by Quest Diagnostics Nichols Institute San Juan Capistrano).